The following is an entry in ClinVar:

NM_002386.4(MC1R):c.452G>A (p.Arg151His)

Gene: MC1R (melanocortin 1 receptor; plus strand). Cytogenetic location: 16q24.3.
Variant type: single nucleotide variant.
Coding change: c.452G>A on transcript NM_002386.4 (MANE Select); coding-DNA position 452, G replaced by A.
Protein change: p.Arg151His; replaces arginine 151 with histidine.
Molecular consequence: missense variant.
Genome position (GRCh38, 1-based): chr16:89,919,710, G>A. VCF-style: chr16-89919710-G-A. GRCh37 (hg19) VCF-style: chr16-89986118-G-A.
Other names: short protein forms R151H.
Identifiers: ClinVar variation 2427826 (VCV002427826.6), dbSNP rs149922657, ClinGen allele CA8255595.

ClinVar aggregate classification (germline): Uncertain significance (1 of 4 stars; one submission).

Conditions:
Melanoma, cutaneous malignant, susceptibility to, 5. Also called: Cutaneous malignant melanoma 5. Identifiers: Orphanet 618, MedGen C2751295, MONDO:0013133, OMIM 613099.

Allele frequency attached by ClinVar (database versions not stated): gnomAD 0.00002; ExAC 0.00003; 1000 Genomes Project 30x 0.00031; 1000 Genomes Project 0.00040.

Submission:

Labcorp Genetics (formerly Invitae), Labcorp
Classification: Uncertain significance for Melanoma, cutaneous malignant, susceptibility to, 5. Last evaluated: 2024-04-30. Review status: criteria provided, single submitter. Criteria: Invitae Variant Classification Sherloc (09022015). Collection method: clinical testing. Allele origin: germline.
Comment: This sequence change replaces arginine, which is basic and polar, with histidine, which is basic and polar, at codon 151 of the MC1R protein (p.Arg151His). This variant is present in population databases (rs149922657, gnomAD 0.01%). This variant has not been reported in the literature in individuals affected with MC1R-related conditions. ClinVar contains an entry for this variant (Variation ID: 2427826). Advanced modeling of protein sequence and biophysical properties (such as structural, functional, and spatial information, amino acid conservation, physicochemical variation, residue mobility, and thermodynamic stability) performed at Invitae indicates that this missense variant is not expected to disrupt MC1R protein function with a negative predictive value of 80%. In summary, the available evidence is currently insufficient to determine the role of this variant in disease. Therefore, it has been classified as a Variant of Uncertain Significance.